The following is an entry in ClinVar:

ClinVar aggregate classification (germline): Uncertain significance. Review status: criteria provided, multiple submitters, no conflicts (2 of 4 stars). 2 submissions from 2 submitters: Uncertain significance (2). Last evaluated 2025-11-19.

Conditions:
Inborn genetic diseases. Identifiers: MedGen C0950123, MeSH D030342.

gnomAD v4.1: 169 of 1,614,042 alleles (0.01%); highest among the groups gnomAD compares: Non-Finnish European, 0.014%; no homozygotes.

Submissions (2):

Ambry Genetics
Classification: Uncertain significance for Inborn genetic diseases. Last evaluated: 2025-11-19. Review status: criteria provided, single submitter. Criteria: Ambry Variant Classification Scheme 2023. Collection method: clinical testing. Allele origin: germline.

Labcorp Genetics (formerly Invitae), Labcorp
Classification: Uncertain significance. Last evaluated: 2022-07-19. Review status: criteria provided, single submitter. Criteria: Invitae Variant Classification Sherloc (09022015). Collection method: clinical testing. Allele origin: germline.
Comment: Algorithms developed to predict the effect of missense changes on protein structure and function are either unavailable or do not agree on the potential impact of this missense change (SIFT: "Deleterious"; PolyPhen-2: "Possibly Damaging"; Align-GVGD: "Class C0"). This sequence change replaces asparagine, which is neutral and polar, with lysine, which is basic and polar, at codon 34 of the AASS protein (p.Asn34Lys). This variant is present in population databases (rs777413121, gnomAD 0.006%). This variant has not been reported in the literature in individuals affected with AASS-related conditions. In summary, the available evidence is currently insufficient to determine the role of this variant in disease. Therefore, it has been classified as a Variant of Uncertain Significance.

NM_005763.4(AASS):c.102C>G (p.Asn34Lys)

Gene: AASS (aminoadipate-semialdehyde synthase; minus strand). Cytogenetic location: 7q31.32.
Variant type: single nucleotide variant.
Coding change: c.102C>G on transcript NM_005763.4 (MANE Select); coding-DNA position 102, C replaced by G.
Protein change: p.Asn34Lys; replaces asparagine 34 with lysine.
Molecular consequence: missense variant.
Genome position (GRCh38, 1-based): chr7:122,133,625, G>C on the plus strand (C>G on the coding strand, the complement: AASS is on the minus strand). VCF-style: chr7-122133625-G-C. GRCh37 (hg19) VCF-style: chr7-121773679-G-C.
Other names: c.102C>G (NM_005763.3); short protein forms N34K.
Identifiers: ClinVar variation 2165315 (VCV002165315.5), dbSNP rs777413121, ClinGen allele CA4458737.